The following is an entry in ClinVar:

NM_032242.4(PLXNA1):c.3419A>G (p.Asn1140Ser)

Gene: PLXNA1 (plexin A1; plus strand). Cytogenetic location: 3q21.3.
Variant type: single nucleotide variant.
Coding change: c.3419A>G on transcript NM_032242.4 (MANE Select); coding-DNA position 3419, A replaced by G.
Protein change: p.Asn1140Ser; replaces asparagine 1140 with serine.
Molecular consequence: missense variant.
Genome position (GRCh38, 1-based): chr3:127,017,567, A>G. VCF-style: chr3-127017567-A-G. GRCh37 (hg19) VCF-style: chr3-126736410-A-G.
Other names: short protein forms N1140S.
Identifiers: ClinVar variation 4980852 (VCV004980852.1).
Genomic context (GRCh38, chr3:127,017,567, plus strand): 5'-GGGAGCGGCCGGATGAGCTGGGCTTCGTCATGGACAACGTGCGCTCCCTGCTTGTGCTCA[A>G]CTCCACCTCCTTCCTCTACTACCCTGACCCCGTACTGGAGCCACTCAGCCCCACTGGCCT-3'
Protein context (NP_115618.3, residues 1130-1150): MDNVRSLLVL[Asn1140Ser]STSFLYYPDP

ClinVar aggregate classification (germline): Uncertain significance (1 of 4 stars; one submission).

Conditions:
PLXNA1-related disorder. Also called: PLXNA1-related condition.

gnomAD v4.1: 13 of 1,612,864 alleles (0.00081%); highest among the groups gnomAD compares: East Asian, 0.0022%; no homozygotes.

Submission:

PreventionGenetics, part of Exact Sciences
Classification: Uncertain significance for PLXNA1-related condition. Last evaluated: 2026-08-24. Review status: criteria provided, single submitter. Criteria: ACMG Guidelines, 2015. Collection method: clinical testing. Allele origin: germline.
Comment: The PLXNA1 c.3419A>G variant is predicted to result in the amino acid substitution p.Asn1140Ser. To our knowledge, this variant has not been reported in the literature. This variant is reported in 0.011% of alleles in individuals of East Asian descent in gnomAD. At this time, the clinical significance of this variant is uncertain due to the absence of conclusive functional and genetic evidence.